The following is an entry in ClinVar:

ClinVar aggregate classification (germline): Uncertain significance (1 of 4 stars; one submission).

Submission:

GeneDx
Classification: Uncertain significance. Last evaluated: 2026-02-05. Review status: criteria provided, single submitter. Criteria: GeneDx Variant Classification Process June 2021. Collection method: clinical testing. Allele origin: germline.
Comment: Not observed at significant frequency in large population cohorts (gnomAD); In silico analysis supports a deleterious effect on splicing; Has not been previously published as pathogenic or benign to our knowledge

NM_001267550.2(TTN):c.69716-3C>G

Genes: TTN (titin; minus strand), TTN-AS1 (TTN antisense RNA 1; plus strand), LOC126806422 (BRD4-independent group 4 enhancer GRCh37_chr2:179440205-179441404; plus strand). Cytogenetic location: 2q31.2.
Variant type: single nucleotide variant.
Coding change: c.69716-3C>G on transcript NM_001267550.2 (MANE Select); 3 bases into the intron before coding-DNA position 69716, C replaced by G.
Molecular consequence: intron variant.
Genome position (GRCh38, 1-based): chr2:178,576,419, G>C on the plus strand (C>G on the coding strand, the complement: TTN is on the minus strand). VCF-style: chr2-178576419-G-C. GRCh37 (hg19) VCF-style: chr2-179441146-G-C.
Other names: c.42521-3C>G (NM_003319.4); c.43097-3C>G (NM_133437.4); c.42896-3C>G (NM_133432.3); c.62012-3C>G (NM_133378.4); c.64793-3C>G (NM_001256850.1).
Identifiers: ClinVar variation 4976300 (VCV004976300.1).
Genomic context (GRCh38, chr2:178,576,419, plus strand): 5'-GAAGCAGATTTCTTGGTAGTATCAGTGACATGCGGATTTGAAGGTGGTCCTGGAGGATCT[G>C]AGAAAGAAACAAAGACACAAAAGTATATATTCAGAGTTTGGCTTTTGGGTAATTTAGATA-3'